The following is an entry in ClinVar:

ClinVar aggregate classification (germline): Uncertain significance (1 of 4 stars; one submission).

gnomAD v4.1: 3 of 1,613,938 alleles (0.00019%); highest among the groups gnomAD compares: Non-Finnish European, 0.00025%; no homozygotes.

Submission:

Labcorp Genetics (formerly Invitae), Labcorp
Classification: Uncertain significance. Last evaluated: 2022-02-15. Review status: criteria provided, single submitter. Criteria: Invitae Variant Classification Sherloc (09022015). Collection method: clinical testing. Allele origin: germline.
Comment: This sequence change replaces valine, which is neutral and non-polar, with alanine, which is neutral and non-polar, at codon 347 of the ADGRV1 protein (p.Val347Ala). This variant is not present in population databases (gnomAD no frequency). This variant has not been reported in the literature in individuals affected with ADGRV1-related conditions. Algorithms developed to predict the effect of missense changes on protein structure and function (SIFT, PolyPhen-2, Align-GVGD) all suggest that this variant is likely to be tolerated. In summary, the available evidence is currently insufficient to determine the role of this variant in disease. Therefore, it has been classified as a Variant of Uncertain Significance.

NM_032119.4(ADGRV1):c.1040T>C (p.Val347Ala)

Gene: ADGRV1 (adhesion G protein-coupled receptor V1; plus strand). Cytogenetic location: 5q14.3.
Variant type: single nucleotide variant.
Coding change: c.1040T>C on transcript NM_032119.4 (MANE Select); coding-DNA position 1040, T replaced by C.
Protein change: p.Val347Ala; replaces valine 347 with alanine.
Molecular consequence: missense variant. On other transcripts: non-coding transcript variant (1).
Genome position (GRCh38, 1-based): chr5:90,627,578, T>C. VCF-style: chr5-90627578-T-C. GRCh37 (hg19) VCF-style: chr5-89923395-T-C.
Other names: short protein forms V347A.
Identifiers: ClinVar variation 2048312 (VCV002048312.4), dbSNP rs1373539577, ClinGen allele CA360368746.
Genomic context (GRCh38, chr5:90,627,578, plus strand): 5'-CAAACACAACTGTTGTTTTTCCACCTTTTATTCATGAATCTCACTTGAAATTTCAAATAG[T>C]TGATGACACCATACCGGAGATTGCTGAATCGTTTCACATTATGTTACTAAAAGATACCTT-3'
Protein context (NP_115495.3, residues 337-357): IHESHLKFQI[Val347Ala]DDTIPEIAES